The following is an entry in ClinVar:

NM_001009944.3(PKD1):c.6298_6306del (p.Ser2100_Gly2102del)

Gene: PKD1 (polycystin 1, transient receptor potential channel interacting; minus strand). Cytogenetic location: 16p13.3.
Variant type: Deletion.
Coding change: c.6298_6306del on transcript NM_001009944.3 (MANE Select); coding-DNA positions 6298 to 6306, 9 bases deleted (TCGCCAGGG; older notation c.6298_6306delTCGCCAGGG).
Protein change: p.Ser2100_Gly2102del.
Genome position (GRCh38, 1-based): chr16:2,108,861-2,108,869, CCCTGGCGA deleted on the plus strand (TCGCCAGGG on the coding strand, the reverse complement: PKD1 is on the minus strand); deleting any 9 consecutive bases within chr16:2,108,861-2,108,872 gives the same sequence; the c. name uses the placement nearest the transcript's 3' end. VCF-style (leftmost placement, unchanged base first): chr16-2108860-GCCCTGGCGA-G. GRCh37 (hg19) VCF-style: chr16-2158861-GCCCTGGCGA-G.
Other names: c.6298_6306del, p.Ser2100_Gly2102del (NM_000296.4).
Identifiers: ClinVar variation 3392503 (VCV003392503.2).

ClinVar aggregate classification (germline): Uncertain significance (1 of 4 stars; one submission).

Conditions:
Polycystic kidney disease, adult type (PKD1). Also called: POLYCYSTIC KIDNEY DISEASE, ADULT, TYPE I; Polycystic Kidney, Autosomal Dominant; Polycystic Kidney Disease 1, Autosomal Dominant; Polycystic kidney disease 1; Polycystic kidney disease 1, severe; POLYCYSTIC KIDNEY DISEASE 1 WITH OR WITHOUT POLYCYSTIC LIVER DISEASE. Identifiers: MedGen C3149841, MONDO:0008263, OMIM 173900.

Submission:

Juno Genomics, Hangzhou Juno Genomics, Inc
Classification: Uncertain significance for Polycystic kidney disease, adult type. Review status: criteria provided, single submitter. Criteria: ACMG Guidelines, 2015. Collection method: clinical testing. Allele origin: germline. Affected: yes.
Comment: Absent from controls (or at extremely low frequency if recessive) in Genome Aggregation Database, Exome Sequencing Project, 1000 Genomes Project, or Exome Aggregation Consortium.;Protein length changes due to in-frame deletions/insertions in a non-repeat region or stop-loss variants.;Patient's phenotype or family history is highly specific for a disease with a single genetic etiology.